The following is an entry in ClinVar:

NM_000142.5(FGFR3):c.446-10C>T

Gene: FGFR3 (fibroblast growth factor receptor 3; plus strand). Cytogenetic location: 4p16.3.
Variant type: single nucleotide variant.
Coding change: c.446-10C>T on transcript NM_000142.5 (MANE Select); 10 bases into the intron before coding-DNA position 446, C replaced by T.
Molecular consequence: intron variant.
Genome position (GRCh38, 1-based): chr4:1,801,357, C>T. VCF-style: chr4-1801357-C-T. GRCh37 (hg19) VCF-style: chr4-1803084-C-T.
Other names: c.446-10C>T (NM_001163213.2, NM_001354809.2, NM_001354810.2 and 1 more transcripts).
Identifiers: ClinVar variation 1320855 (VCV001320855.6), dbSNP rs762297923, ClinGen allele CA91248950.
Genomic context (GRCh38, chr4:1,801,357, plus strand): 5'-GAAGGGGGTTGTTCAGAGGGGCCTCTGCTCCCACTCGGGTCATGGCCTTCACACGCACCT[C>T]GGCCCGCAGGGGCCCCTTACTGGACACGGCCCGAGCGGATGGACAAGAAGCTGCTGGCCG-3'

ClinVar aggregate classification (germline): Conflicting classifications of pathogenicity. Review status: criteria provided, conflicting classifications (1 of 4 stars). 2 submissions from 2 submitters: Uncertain significance (1); Likely benign (1). Last evaluated 2025-06-03.

Allele frequency attached by ClinVar (database versions not stated): gnomAD 0.00001; gnomAD exomes 0.00001 and 0.00004; TOPMed 0.00001.
gnomAD v4.1: 57 of 1,550,302 alleles (0.0037%); highest among the groups gnomAD compares: Non-Finnish European, 0.0041%; no homozygotes.

Submissions (2):

Labcorp Genetics (formerly Invitae), Labcorp
Classification: Likely benign. Last evaluated: 2025-06-03. Review status: criteria provided, single submitter. Criteria: Invitae Variant Classification Sherloc (09022015). Collection method: clinical testing. Allele origin: germline.

GeneDx
Classification: Uncertain significance. Last evaluated: 2021-05-05. Review status: criteria provided, single submitter. Criteria: GeneDx Variant Classification Process June 2021. Collection method: clinical testing. Allele origin: germline. Affected: yes.
Comment: Not observed at a significant frequency in large population cohorts (Lek et al., 2016); In silico analysis supports that this variant does not alter splicing; Has not been previously published as pathogenic or benign to our knowledge